The following is an entry in ClinVar:

ClinVar aggregate classification (germline): Uncertain significance (1 of 4 stars; one submission).

Conditions:
Hereditary cancer-predisposing syndrome. Also called: Neoplastic Syndromes, Hereditary; Tumor predisposition; Hereditary neoplastic syndrome; Hereditary Cancer Syndrome. Identifiers: Orphanet 140162, MedGen C0027672, MeSH D009386, MONDO:0015356.

Submission:

Ambry Genetics
Classification: Uncertain significance for Hereditary cancer-predisposing syndrome. Last evaluated: 2023-01-25. Review status: criteria provided, single submitter. Criteria: Ambry Variant Classification Scheme 2023. Collection method: clinical testing. Allele origin: germline.
Comment: The c.488_490delCAT variant (also known as p.S163del) is located in coding exon 4 of the TSC1 gene. This variant results from an in-frame CAT deletion at nucleotide positions 488 to 490. This results in the in-frame deletion of a serine at codon 163. This amino acid position is well conserved in available vertebrate species. In addition, this alteration is predicted to be deleterious by in silico analysis (Choi Y et al., PLoS ONE 2012; 7(10):e46688). Since supporting evidence is limited at this time, the clinical significance of this alteration remains unclear.

NM_000368.5(TSC1):c.485CAT[1] (p.Ser163del)

Gene: TSC1 (TSC complex subunit 1; minus strand). Cytogenetic location: 9q34.13.
Variant type: Microsatellite.
Coding change: c.485CAT[1] on transcript NM_000368.5 (MANE Select); one copy of the 3-base unit CAT starting at c.485; the reference has two copies in a row; one copy, 3 bases deleted.
Protein change: p.Ser163del; deletes serine 163.
Molecular consequence: inframe deletion.
Genome position (GRCh38, 1-based): chr9:132,923,366-132,923,368, ATG deleted on the plus strand (CAT on the coding strand, the reverse complement: TSC1 is on the minus strand); deleting any 3 consecutive bases within chr9:132,923,366-132,923,372 gives the same sequence; the position shown is the placement nearest the transcript's 3' end. VCF-style (leftmost placement, unchanged base first): chr9-132923365-CATG-C. GRCh37 (hg19) VCF-style: chr9-135798752-CATG-C.
Other names: c.485CAT[1], p.Ser163del (NM_001162426.2); c.332CAT[1], p.Ser112del (NM_001162427.2); c.122CAT[1], p.Ser42del (NM_001362177.2); short protein forms S163del, S112del, S42del.
Identifiers: ClinVar variation 825255 (VCV000825255.5), dbSNP rs1588350366, ClinGen allele CA915947263.
Genomic context (GRCh38, chr9:132,923,365, plus strand): 5'-ATTCACCTCACAGGGCCCAACAGGTATATGAGGAGATCTGTACCTGGTTTCTTCAGGCAC[CATG>C]ATGACAGACGGCCAAAAATGTCAAAGAAATCAAGAAGATGCTGTTTCCCAGACTGTGGAA-3'